The following is an entry in ClinVar:

NM_004447.6(EPS8):c.1838A>G (p.Tyr613Cys)

Gene: EPS8 (EGFR pathway substrate 8, signaling adaptor; minus strand). Cytogenetic location: 12p12.3.
Variant type: single nucleotide variant.
Coding change: c.1838A>G on transcript NM_004447.6 (MANE Select); coding-DNA position 1838, A replaced by G.
Protein change: p.Tyr613Cys; replaces tyrosine 613 with cysteine.
Molecular consequence: missense variant.
Genome position (GRCh38, 1-based): chr12:15,631,648, T>C on the plus strand (A>G on the coding strand, the complement: EPS8 is on the minus strand). VCF-style: chr12-15631648-T-C. GRCh37 (hg19) VCF-style: chr12-15784582-T-C.
Other names: short protein forms Y613C.
Identifiers: ClinVar variation 514411 (VCV000514411.34), dbSNP rs74888964, ClinGen allele CA6467429.

ClinVar aggregate classification (germline): Conflicting classifications of pathogenicity. Review status: criteria provided, conflicting classifications (1 of 4 stars). 6 submissions from 6 submitters: Uncertain significance (3); Benign (2). 1 of the submissions does not count toward it. Last evaluated 2025-08-14.

Conditions:
EPS8-related disorder. Also called: EPS8-related condition.
Inborn genetic diseases. Identifiers: MedGen C0950123, MeSH D030342.

Allele frequency attached by ClinVar (database versions not stated): ESP Exome Variant Server 0.00008; TOPMed 0.00008; 1000 Genomes Project 0.00020; 1000 Genomes Project 30x 0.00031; gnomAD exomes 0.00044 and 0.00101; gnomAD 0.00071 and 0.00074; ExAC 0.00075.
gnomAD v4.1: 752 of 1,611,404 alleles (0.047%); highest among the groups gnomAD compares: South Asian, 0.12%; 7 homozygotes.

Submissions (6):

Ambry Genetics
Classification: Uncertain significance for Inborn genetic diseases. Last evaluated: 2025-08-14. Review status: criteria provided, single submitter. Criteria: Ambry Variant Classification Scheme 2023. Collection method: clinical testing. Allele origin: germline.

Blueprint Genetics
Classification: Uncertain significance. Last evaluated: 2024-08-20. Review status: criteria provided, single submitter. Criteria: ACMG Guidelines, 2015. Collection method: clinical testing. Allele origin: germline.

Labcorp Genetics (formerly Invitae), Labcorp
Classification: Benign. Last evaluated: 2023-07-26. Review status: criteria provided, single submitter. Criteria: Invitae Variant Classification Sherloc (09022015). Collection method: clinical testing. Allele origin: germline.

CeGaT Center for Human Genetics Tuebingen
Classification: Uncertain significance. Last evaluated: 2023-03-01. Review status: criteria provided, single submitter. Criteria: CeGaT Center For Human Genetics Tuebingen Variant Classification Criteria Version 2. Collection method: clinical testing. Allele origin: germline. Affected: yes. Observed: 1 variant allele.

GeneDx
Classification: Benign. Last evaluated: 2021-05-02. Review status: criteria provided, single submitter. Criteria: GeneDx Variant Classification Process June 2021. Collection method: clinical testing. Allele origin: germline. Affected: yes.

PreventionGenetics, part of Exact Sciences
Classification: Benign for EPS8-related condition. Last evaluated: 2020-10-26. Review status: no assertion criteria provided. Collection method: clinical testing. Allele origin: germline. Not counted in ClinVar's aggregate classification.
Comment: This variant is classified as benign based on ACMG/AMP sequence variant interpretation guidelines (Richards et al. 2015 PMID: 25741868, with internal and published modifications).